The following is an entry in ClinVar:

ClinVar aggregate classification (germline): Conflicting classifications of pathogenicity. Review status: criteria provided, conflicting classifications (1 of 4 stars). 2 submissions from 2 submitters: Likely pathogenic (1); Benign (1). Last evaluated 2024-05-17.

Conditions:
HYPERHOMOCYSTEINEMIA, THROMBOTIC, CBS-RELATED. Identifiers: MedGen C3150344, OMIM 236200.
Classic homocystinuria. Also called: Homocystinuria due to Cystathionine Beta-Synthase Deficiency; Homocystinuria due to CBS deficiency; Cystathionine beta-synthase deficiency; CBS deficiency; HOMOCYSTINURIA WITH OR WITHOUT RESPONSE TO PYRIDOXINE. Identifiers: Orphanet 394, MedGen C0751202, MONDO:0009352, OMIM 236200.

Submissions (2):

Natera, Inc.
Classification: Likely pathogenic for Homocystinuria due to cystathionine beta-synthase deficiency. Last evaluated: 2024-05-17. Review status: criteria provided, single submitter. Criteria: Natera Variant Classification Schema (03/2026). Collection method: clinical testing. Allele origin: germline.
Comment: The c.832_833insCTGGGGGGGATCATCCAGGTGGGGCTTTTGCTGGGCTTGAGCCCTGAAGCCGCGCCCTCTGCAGATCA variant in CBS is a frameshift variant predicted to shift the reading frame beginning at codon 278 and leads to a stop codon 16 codons downstream. This variant is expected to result in nonsense mediated decay, truncation, or a dysfunctional protein product. This variant is rare in the general population with a frequency below the threshold expected for the associated phenotype(s). Given the available evidence, this variant is classified as Likely Pathogenic.

Labcorp Genetics (formerly Invitae), Labcorp
Classification: Benign for HYPERHOMOCYSTEINEMIA, THROMBOTIC, CBS-RELATED. Last evaluated: 2024-01-31. Review status: criteria provided, single submitter. Criteria: Invitae Variant Classification Sherloc (09022015). Collection method: clinical testing. Allele origin: germline.

NM_000071.2(CBS):c.832_833insCTGGGGGGGATCATCCAGGTGGGGCTTTTGCTGGGCTTGAGCCCTGAAGCCGCGCCCTCTGCAGATCA

Gene: CBS (cystathionine beta-synthase; minus strand). Cytogenetic location: 21q22.3.
Variant type: Insertion.
Coding change: c.832_833insCTGGGGGGGATCATCCAGGTGGGGCTTTTGCTGGGCTTGAGCCCTGAAGCCGCGCCCTCTGCAGATCA on transcript NM_000071.2; coding-DNA positions 832 to 833, CTGGGGGGGATCATCCAGGTGGGGCTTTTGCTGGGCTTGAGCCCTGAAGCCGCGCCCTCTGCAGATCA inserted.
Genome position: GRCh38: chr21:43,063,107-43,063,108. GRCh37 (hg19): chr21:44,483,217-44,483,218.
Identifiers: ClinVar variation 2714316 (VCV002714316.3), ClinGen allele CA2697547530.